The following is an entry in ClinVar:

ClinVar aggregate classification (germline): Uncertain significance. Review status: criteria provided, multiple submitters, no conflicts (2 of 4 stars). 2 submissions from 2 submitters: Uncertain significance (2). Last evaluated 2024-12-07.

Conditions:
Inborn genetic diseases. Identifiers: MedGen C0950123, MeSH D030342.

Allele frequency attached by ClinVar (database versions not stated): ExAC 0.00001; gnomAD exomes 0.00001; TOPMed 0.00002; gnomAD 0.00003.
gnomAD v4.1: 17 of 1,614,028 alleles (0.0011%); highest among the groups gnomAD compares: Non-Finnish European, 0.0014%; no homozygotes.

Submissions (2):

Ambry Genetics
Classification: Uncertain significance for Inborn genetic diseases. Last evaluated: 2024-12-07. Review status: criteria provided, single submitter. Criteria: Ambry Variant Classification Scheme 2023. Collection method: clinical testing. Allele origin: germline.
Comment: The p.Q248P variant (also known as c.743A>C), located in coding exon 5 of the MECOM gene, results from an A to C substitution at nucleotide position 743. The glutamine at codon 248 is replaced by proline, an amino acid with similar properties. This amino acid position is conserved. In addition, this alteration is predicted to be tolerated by in silico analysis. Based on the available evidence, the clinical significance of this variant remains unclear.

Labcorp Genetics (formerly Invitae), Labcorp
Classification: Uncertain significance. Last evaluated: 2023-05-20. Review status: criteria provided, single submitter. Criteria: Invitae Variant Classification Sherloc (09022015). Collection method: clinical testing. Allele origin: germline.
Comment: In summary, the available evidence is currently insufficient to determine the role of this variant in disease. Therefore, it has been classified as a Variant of Uncertain Significance. This sequence change replaces glutamine, which is neutral and polar, with proline, which is neutral and non-polar, at codon 60 of the MECOM protein (p.Gln60Pro). This variant is present in population databases (rs770939683, gnomAD 0.007%). This variant has not been reported in the literature in individuals affected with MECOM-related conditions. Algorithms developed to predict the effect of missense changes on protein structure and function output the following: SIFT: "Not Available"; PolyPhen-2: "Benign"; Align-GVGD: "Not Available". The proline amino acid residue is found in multiple mammalian species, which suggests that this missense change does not adversely affect protein function.

NM_004991.4(MECOM):c.743A>C (p.Gln248Pro)

Gene: MECOM (MDS1 and EVI1 complex locus; minus strand). Cytogenetic location: 3q26.2.
Variant type: single nucleotide variant.
Coding change: c.743A>C on transcript NM_004991.4 (MANE Select); coding-DNA position 743, A replaced by C.
Protein change: p.Gln248Pro; replaces glutamine 248 with proline.
Molecular consequence: missense variant.
Genome position (GRCh38, 1-based): chr3:169,127,931, T>G on the plus strand (A>C on the coding strand, the complement: MECOM is on the minus strand). VCF-style: chr3-169127931-T-G. GRCh37 (hg19) VCF-style: chr3-168845719-T-G.
Other names: c.743A>C (NM_004991.3); c.371A>C, p.Gln124Pro (NM_001105077.4); c.179A>C, p.Gln60Pro (NM_001105078.4, NM_001163999.2, NM_001164000.2 and 9 more transcripts); c.743A>C, p.Gln248Pro (NM_001366466.2, NM_001366473.2); short protein forms Q60P, Q248P, Q124P.
Identifiers: ClinVar variation 2915717 (VCV002915717.4), dbSNP rs770939683, ClinGen allele CA2696481.
Genomic context (GRCh38, chr3:169,127,931, plus strand): 5'-CATTCCTTACACTCCTGGATCGTGTGTATCTCTTGGAGATCATTCTCGCTTTCGAGTTTT[T>G]GCTGAAAGTCCTCTTCAACCATTGAAAATGCTGAGTGAGGAGTACTGCATGGAAACTTTT-3'
Protein context (NP_004982.2, residues 238-258): AFSMVEEDFQ[Gln248Pro]KLESENDLQE